The following is an entry in ClinVar:

ClinVar aggregate classification (germline): Uncertain significance. Review status: criteria provided, multiple submitters, no conflicts (2 of 4 stars). 2 submissions from 2 submitters: Uncertain significance (2). Last evaluated 2024-03-25.

Submissions (2):

GeneDx
Classification: Uncertain significance. Last evaluated: 2024-03-25. Review status: criteria provided, single submitter. Criteria: GeneDx Variant Classification Process June 2021. Collection method: clinical testing. Allele origin: germline. Affected: yes.
Comment: Not observed at significant frequency in large population cohorts (gnomAD); In silico analysis supports that this missense variant has a deleterious effect on protein structure/function; Has not been previously published as pathogenic or benign to our knowledge; This variant is associated with the following publications: (PMID: 24451228)

CeGaT Center for Human Genetics Tuebingen
Classification: Uncertain significance. Last evaluated: 2017-02-01. Review status: criteria provided, single submitter. Criteria: CeGaT Center For Human Genetics Tuebingen Variant Classification Criteria Version 2. Collection method: clinical testing. Allele origin: germline. Affected: yes. Observed: 1 variant allele.

NM_014846.4(WASHC5):c.1891C>A (p.Pro631Thr)

Gene: WASHC5 (WASH complex subunit 5; minus strand). Cytogenetic location: 8q24.13.
Variant type: single nucleotide variant.
Coding change: c.1891C>A on transcript NM_014846.4 (MANE Select); coding-DNA position 1891, C replaced by A.
Protein change: p.Pro631Thr; replaces proline 631 with threonine.
Molecular consequence: missense variant.
Genome position (GRCh38, 1-based): chr8:125,056,802, G>T on the plus strand (C>A on the coding strand, the complement: WASHC5 is on the minus strand). VCF-style: chr8-125056802-G-T. GRCh37 (hg19) VCF-style: chr8-126069044-G-T.
Other names: c.1447C>A, p.Pro483Thr (NM_001330609.2); c.1891C>A (NM_014846.3); short protein forms P483T, P631T.
Identifiers: ClinVar variation 810310 (VCV000810310.43), dbSNP rs1586359744, ClinGen allele CA372191188.
Genomic context (GRCh38, chr8:125,056,802, plus strand): 5'-CAATAATGTCGTGGGTCTGAAGCTTTATGATCTTTAGAAGAGATGTAAACATGCTTTCTG[G>T]GATGATCTGCAAAACCTTCAGTGAAAAGGAAAGCAGGAAACGCAATGAACATCTGTTTTA-3'
Protein context (NP_055661.3, residues 621-641): SYVRKVLQII[Pro631Thr]ESMFTSLLKI